The following is an entry in ClinVar:

NM_004820.5(CYP7B1):c.869T>C (p.Leu290Pro)

Gene: CYP7B1 (cytochrome P450 family 7 subfamily B member 1; minus strand). Cytogenetic location: 8q12.3.
Variant type: single nucleotide variant.
Coding change: c.869T>C on transcript NM_004820.5 (MANE Select); coding-DNA position 869, T replaced by C.
Protein change: p.Leu290Pro; replaces leucine 290 with proline.
Molecular consequence: missense variant.
Genome position (GRCh38, 1-based): chr8:64,615,214, A>G on the plus strand (T>C on the coding strand, the complement: CYP7B1 is on the minus strand). VCF-style: chr8-64615214-A-G. GRCh37 (hg19) VCF-style: chr8-65527771-A-G.
Other names: c.869T>C, p.Leu290Pro (NM_001324112.2); short protein forms L290P.
Identifiers: ClinVar variation 2684016 (VCV002684016.1), dbSNP rs776893023, ClinGen allele CA4764121.
Genomic context (GRCh38, chr8:64,615,214, plus strand): 5'-CGCAGAAGATAATACATTGCCCAGAACATAGTTGGAATAGTGTTTGCCACAGAGGCCCAG[A>G]GAAAGCCTAAATGATGTGCTGGGAGAAAATAAGTGAAAAGGAAGATTAATAGCGTTTATT-3'
Protein context (NP_004811.1, residues 280-300): LEIGAHHLGF[Leu290Pro]WASVANTIPT

ClinVar aggregate classification (germline): Uncertain significance (1 of 4 stars; one submission).

Allele frequency attached by ClinVar (database versions not stated): gnomAD exomes 0.00001; ExAC 0.00004.

Submission:

Athena Diagnostics
Classification: Uncertain significance. Last evaluated: 2023-01-09. Review status: criteria provided, single submitter. Criteria: Athena Diagnostics Criteria. Collection method: clinical testing. Allele origin: unknown.
Comment: Available data are insufficient to determine the clinical significance of the variant at this time. The frequency of this variant in the general population is uninformative in assessment of its pathogenicity. Computational tools predict that this variant is damaging.